The following is an entry in ClinVar:

ClinVar aggregate classification (germline): Uncertain significance (1 of 4 stars; one submission).

gnomAD v4.1: 3 of 1,613,344 alleles (0.00019%); highest among the groups gnomAD compares: South Asian, 0.0022%; no homozygotes.

Submission:

Athena Diagnostics
Classification: Uncertain significance. Last evaluated: 2024-11-22. Review status: criteria provided, single submitter. Criteria: Athena Diagnostics Criteria. Collection method: clinical testing. Allele origin: unknown.
Comment: Available data are insufficient to determine the clinical significance of the variant at this time. The frequency of this variant in the general population is uninformative in assessment of its pathogenicity. Polyphen and MutationTaster predict this amino acid change may be benign.

NM_001278064.2(GRM1):c.3163C>T (p.Pro1055Ser)

Gene: GRM1 (glutamate metabotropic receptor 1; plus strand). Cytogenetic location: 6q24.3.
Variant type: single nucleotide variant.
Coding change: c.3163C>T on transcript NM_001278064.2 (MANE Select); coding-DNA position 3163, C replaced by T.
Protein change: p.Pro1055Ser; replaces proline 1055 with serine.
Molecular consequence: missense variant. On other transcripts: 3 prime UTR variant (3).
Genome position (GRCh38, 1-based): chr6:146,434,374, C>T. VCF-style: chr6-146434374-C-T. GRCh37 (hg19) VCF-style: chr6-146755510-C-T.
Other names: c.*527C>T (NM_001278065.2); c.*492C>T (NM_001278066.1); c.*401C>T (NM_001278067.1); short protein forms P1055S.
Identifiers: ClinVar variation 3571874 (VCV003571874.1).